The following is an entry in ClinVar:

NM_194454.3(KRIT1):c.1807del (p.His603fs)

Gene: KRIT1 (KRIT1 ankyrin repeat containing; minus strand). Cytogenetic location: 7q21.2.
Variant type: Deletion.
Coding change: c.1807del on transcript NM_194454.3 (MANE Select); coding-DNA position 1807, one base deleted (C; older notation c.1807delC).
Protein change: p.His603fs; shifts the reading frame from histidine 603.
Molecular consequence: frameshift variant.
Genome position (GRCh38, 1-based): chr7:92,213,903, G deleted on the plus strand (C on the coding strand, the reverse complement: KRIT1 is on the minus strand). VCF-style (leftmost placement, unchanged base first): chr7-92213902-TG-T. GRCh37 (hg19) VCF-style: chr7-91843216-TG-T.
Other names: c.1663del, p.His555fs (NM_001013406.2, NM_001350669.1, NM_001350670.1); c.1093del, p.His365fs (NM_001350671.1); c.1807del, p.His603fs (NM_001350672.1, NM_001350673.1, NM_001350674.1 and 26 more transcripts); c.1807delC (NM_194456.1); short protein forms H365fs, H603fs, H555fs.
Identifiers: ClinVar variation 265485 (VCV000265485.20), dbSNP rs886039572, ClinGen allele CA10588436.

ClinVar aggregate classification (germline): Pathogenic. Review status: criteria provided, multiple submitters, no conflicts (2 of 4 stars). 4 submissions from 4 submitters: Pathogenic (4). Last evaluated 2024-12-27.

Conditions:
Cerebral cavernous malformation (CCM). Also called: Cerebral cavernous malformations; CAVERNOUS ANGIOMA, FAMILIAL; CAVERNOUS ANGIOMATOUS MALFORMATIONS; CEREBRAL CAPILLARY MALFORMATIONS; Cerebral cavernous hemangioma (type); Cavernous Hemangioma of Brain. Identifiers: Orphanet 221061, MedGen C2919945, MONDO:0000820, OMIM 116860, HP:0033522.

Submissions (4):

Labcorp Genetics (formerly Invitae), Labcorp
Classification: Pathogenic for Cerebral cavernous malformation. Last evaluated: 2024-12-27. Review status: criteria provided, single submitter. Criteria: Invitae Variant Classification Sherloc (09022015). Collection method: clinical testing. Allele origin: germline.
Comment: This sequence change creates a premature translational stop signal (p.His603Metfs*58) in the KRIT1 gene. It is expected to result in an absent or disrupted protein product. Loss-of-function variants in KRIT1 are known to be pathogenic (PMID: 10508515, 11222804, 12404106, 24689081). This variant is not present in population databases (gnomAD no frequency). This premature translational stop signal has been observed in individual(s) with cerebral cavernous malformations (PMID: 12854741). It has also been observed to segregate with disease in related individuals. This variant is also known as 2549delC. ClinVar contains an entry for this variant (Variation ID: 265485). For these reasons, this variant has been classified as Pathogenic.

ARUP Laboratories, Molecular Genetics and Genomics, ARUP Laboratories
Classification: Pathogenic. Last evaluated: 2018-12-17. Review status: criteria provided, single submitter. Criteria: ARUP Molecular Germline Variant Investigation Process. Collection method: clinical testing. Allele origin: germline.
Comment: This frameshift mutation, c.1807delC; p.His603fs, was previously reported in one family with members of several generations affected with CCMs (see family K2195 with mutation referred as 2549delC in reference Laurans et al.). This variant is also absent from general population databases (1000 Genomes Project, Exome Variant Server, and Genome Aggregation Database), indicating it is not a common polymorphism. This variant causes a frameshift by deleting a single nucleotide, so it is predicted to result in a truncated protein or mRNA subject to nonsense-mediated decay. Based on available information, this variant is considered to be pathogenic.

PreventionGenetics, part of Exact Sciences
Classification: Pathogenic. Last evaluated: 2016-06-14. Review status: criteria provided, single submitter. Criteria: ACMG Guidelines, 2015. Collection method: clinical testing. Allele origin: germline.

GeneDx
Classification: Pathogenic. Last evaluated: 2016-05-27. Review status: criteria provided, single submitter. Criteria: GeneDx Variant Classification (06012015). Collection method: clinical testing. Allele origin: germline. Affected: yes.
Comment: The c.1807delC pathogenic variant in the KRIT1 gene has been reported previously, using alternate nomenclature (c.2549delC), in in a family with cerebral cavernous malformation (Laurens et al., 2003). The c.1807delC variant causes a frameshift starting with codon Histidine 603, changes this amino acid to a Methionine residue, and creates a premature Stop codon at position 58 of the new reading frame, denoted p.His603MetfsX58. This variant is predicted to cause loss of normal protein function either through protein truncation or nonsense-mediated mRNA decay. Furthermore, the c.1807delC variant was not observed in approximately 6,500 individuals of European and African American ancestry in the NHLBI Exome Sequencing Project, indicating it is not a common benign variant in these populations. Therefore, we interpret c.1807delC as a pathogenic variant.

Literature cited by the submitters: PubMed 10508515 (cited by Labcorp Genetics (formerly Invitae), Labcorp); PubMed 11222804 (cited by Labcorp Genetics (formerly Invitae), Labcorp); PubMed 12404106 (cited by Labcorp Genetics (formerly Invitae), Labcorp); PubMed 24689081 (cited by Labcorp Genetics (formerly Invitae), Labcorp); PubMed 12854741 (cited by Labcorp Genetics (formerly Invitae), Labcorp).